The following is an entry in ClinVar:

ClinVar aggregate classification (germline): Uncertain significance. Review status: criteria provided, multiple submitters, no conflicts (2 of 4 stars). 3 submissions from 3 submitters: Uncertain significance (3). Last evaluated 2024-03-29.

Conditions:
Dilated cardiomyopathy 1KK (CMD1KK). Identifiers: Orphanet 154, Orphanet 75249, MedGen C3714995, MONDO:0014100, OMIM 615248.
Cardiovascular phenotype. Identifiers: MedGen CN230736.

Allele frequency attached by ClinVar (database versions not stated): gnomAD 0.00001; ExAC 0.00002; gnomAD exomes 0.00001.
gnomAD v4.1: 14 of 1,613,870 alleles (0.00087%); highest among the groups gnomAD compares: African/African-American, 0.0013%; no homozygotes.

Submissions (3):

Ambry Genetics
Classification: Uncertain significance for Cardiovascular phenotype. Last evaluated: 2024-03-29. Review status: criteria provided, single submitter. Criteria: Ambry Variant Classification Scheme 2023. Collection method: clinical testing. Allele origin: germline.
Comment: The p.R877C variant (also known as c.2629C>T), located in coding exon 11 of the MYPN gene, results from a C to T substitution at nucleotide position 2629. The arginine at codon 877 is replaced by cysteine, an amino acid with highly dissimilar properties. This variant has been detected in a hypertrophic cardiomyopathy cohort; however, details were limited (Mazzarotto F et al. Genet Med, 2019 02;21:284-292). This amino acid position is well conserved in available vertebrate species. In addition, the in silico prediction for this alteration is inconclusive. Since supporting evidence is limited at this time, the clinical significance of this alteration remains unclear.

Revvity Omics, Revvity
Classification: Uncertain significance. Last evaluated: 2023-09-01. Review status: criteria provided, single submitter. Criteria: ACMG Guidelines, 2015. Collection method: clinical testing. Allele origin: germline.

Labcorp Genetics (formerly Invitae), Labcorp
Classification: Uncertain significance for Dilated cardiomyopathy 1KK. Last evaluated: 2022-04-16. Review status: criteria provided, single submitter. Criteria: Invitae Variant Classification Sherloc (09022015). Collection method: clinical testing. Allele origin: germline.
Comment: This sequence change replaces arginine, which is basic and polar, with cysteine, which is neutral and slightly polar, at codon 877 of the MYPN protein (p.Arg877Cys). This variant is present in population databases (rs764042082, gnomAD 0.005%). This variant has not been reported in the literature in individuals affected with MYPN-related conditions. Algorithms developed to predict the effect of missense changes on protein structure and function (SIFT, PolyPhen-2, Align-GVGD) all suggest that this variant is likely to be disruptive. In summary, the available evidence is currently insufficient to determine the role of this variant in disease. Therefore, it has been classified as a Variant of Uncertain Significance.

Literature cited by the submitters: PubMed 29875424 (cited by Ambry Genetics).

NM_032578.4(MYPN):c.2629C>T (p.Arg877Cys)

Gene: MYPN (myopalladin; plus strand). Cytogenetic location: 10q21.3.
Variant type: single nucleotide variant.
Coding change: c.2629C>T on transcript NM_032578.4 (MANE Select); coding-DNA position 2629, C replaced by T.
Protein change: p.Arg877Cys; replaces arginine 877 with cysteine.
Molecular consequence: missense variant. On other transcripts: non-coding transcript variant (1).
Genome position (GRCh38, 1-based): chr10:68,175,387, C>T. VCF-style: chr10-68175387-C-T. GRCh37 (hg19) VCF-style: chr10-69935144-C-T.
Other names: c.2629C>T, p.Arg877Cys (NM_001256267.2); c.1747C>T, p.Arg583Cys (NM_001256268.2); c.2629C>T (NM_032578.3); short protein forms R583C, R877C.
Identifiers: ClinVar variation 1474552 (VCV001474552.7), dbSNP rs764042082, ClinGen allele CA5522834.